The following is an entry in ClinVar:

ClinVar aggregate classification (germline): Uncertain significance (1 of 4 stars; one submission).

Conditions:
Kabuki syndrome. Also called: NIIKAWA-KUROKI SYNDROME; Kabuki make-up syndrome. Identifiers: Orphanet 2322, MedGen C0796004, MONDO:0016512.

Allele frequency attached by ClinVar (database versions not stated): gnomAD exomes below 0.00001; 1000 Genomes Project 0.00020; gnomAD 0.00001; 1000 Genomes Project 30x 0.00016.
gnomAD v4.1: 2 of 1,612,466 alleles (0.00012%); highest among the groups gnomAD compares: East Asian, 0.0022%; no homozygotes.

Submission:

Labcorp Genetics (formerly Invitae), Labcorp
Classification: Uncertain significance for Kabuki syndrome. Last evaluated: 2025-11-27. Review status: criteria provided, single submitter. Criteria: Invitae Variant Classification Sherloc (09022015). Collection method: clinical testing. Allele origin: germline.
Comment: This sequence change replaces alanine, which is neutral and non-polar, with valine, which is neutral and non-polar, at codon 1716 of the KMT2D protein (p.Ala1716Val). This variant is not present in population databases (gnomAD no frequency). This variant has not been reported in the literature in individuals affected with KMT2D-related conditions. ClinVar contains an entry for this variant (Variation ID: 2955199). Invitae Evidence Modeling of protein sequence and biophysical properties (such as structural, functional, and spatial information, amino acid conservation, physicochemical variation, residue mobility, and thermodynamic stability) indicates that this missense variant is not expected to disrupt KMT2D protein function with a negative predictive value of 95%. In summary, the available evidence is currently insufficient to determine the role of this variant in disease. Therefore, it has been classified as a Variant of Uncertain Significance.

NM_003482.4(KMT2D):c.5147C>T (p.Ala1716Val)

Gene: KMT2D (lysine methyltransferase 2D; minus strand). Cytogenetic location: 12q13.12.
Variant type: single nucleotide variant.
Coding change: c.5147C>T on transcript NM_003482.4 (MANE Select); coding-DNA position 5147, C replaced by T.
Protein change: p.Ala1716Val; replaces alanine 1716 with valine.
Molecular consequence: missense variant.
Genome position (GRCh38, 1-based): chr12:49,044,241, G>A on the plus strand (C>T on the coding strand, the complement: KMT2D is on the minus strand). VCF-style: chr12-49044241-G-A. GRCh37 (hg19) VCF-style: chr12-49438024-G-A.
Other names: short protein forms A1716V.
Identifiers: ClinVar variation 2955199 (VCV002955199.3), dbSNP rs552418825, ClinGen allele CA236613065.